The following is an entry in ClinVar:

NM_198075.4(LRRC56):c.1180C>G (p.Arg394Gly)

Gene: LRRC56 (leucine rich repeat containing 56; plus strand). Cytogenetic location: 11p15.5.
Variant type: single nucleotide variant.
Coding change: c.1180C>G on transcript NM_198075.4 (MANE Select); coding-DNA position 1180, C replaced by G.
Protein change: p.Arg394Gly; replaces arginine 394 with glycine.
Molecular consequence: missense variant.
Genome position (GRCh38, 1-based): chr11:552,231, C>G. VCF-style: chr11-552231-C-G. GRCh37 (hg19) VCF-style: chr11-552231-C-G.
Other names: short protein forms R394G.
Identifiers: ClinVar variation 1354367 (VCV001354367.6), dbSNP rs778415386, ClinGen allele CA5779979.
Genomic context (GRCh38, chr11:552,231, plus strand): 5'-GCAGACAGCTCTGACTTCCTGGCCTTGGCTGGGCTCAGGGCCTGGAGGGAACATGGCGTG[C>G]GGTGGGTGTCCCTCCAGCTCTTCCACTGGGTGTGTCCTGTCCCGTGGGGAAATCAGGGCT-3'
Protein context (NP_932341.1, residues 384-404): GLRAWREHGV[Arg394Gly]PLPYRHPESQ

ClinVar aggregate classification (germline): Uncertain significance (1 of 4 stars; one submission).

gnomAD v4.1: 38 of 1,607,552 alleles (0.0024%); highest among the groups gnomAD compares: Middle Eastern, 0.017%; 1 homozygote.

Submission:

Labcorp Genetics (formerly Invitae), Labcorp
Classification: Uncertain significance. Last evaluated: 2023-10-16. Review status: criteria provided, single submitter. Criteria: Invitae Variant Classification Sherloc (09022015). Collection method: clinical testing. Allele origin: germline.
Comment: This sequence change replaces arginine, which is basic and polar, with glycine, which is neutral and non-polar, at codon 394 of the LRRC56 protein (p.Arg394Gly). This variant is present in population databases (rs778415386, gnomAD 0.01%). This variant has not been reported in the literature in individuals affected with LRRC56-related conditions. ClinVar contains an entry for this variant (Variation ID: 1354367). An algorithm developed to predict the effect of missense changes on protein structure and function (PolyPhen-2) suggests that this variant¬†is likely to be tolerated. Algorithms developed to predict the effect of sequence changes on RNA splicing suggest that this variant may disrupt the consensus splice site. In summary, the available evidence is currently insufficient to determine the role of this variant in disease. Therefore, it has been classified as a Variant of Uncertain Significance.